The following is an entry in ClinVar:

ClinVar aggregate classification (germline): Uncertain significance (1 of 4 stars; one submission).

Conditions:
SHORT syndrome. Also called: SHORT STATURE, HYPEREXTENSIBILITY, HERNIA, OCULAR DEPRESSION, RIEGER ANOMALY, AND TEETHING DELAY; PIK3R1-Related SHORT Syndrome; LIPODYSTROPHY, PARTIAL, WITH RIEGER ANOMALY AND SHORT STATURE. Identifiers: Orphanet 3163, MedGen C0878684, MONDO:0010026, OMIM 269880.
Agammaglobulinemia 7, autosomal recessive (AGM7). Also called: AGAMMAGLOBULINEMIA, AUTOSOMAL RECESSIVE, DUE TO PIK3R1 DEFECT. Identifiers: MedGen C3554689, MONDO:0014083, OMIM 615214.
Immunodeficiency 36 with lymphoproliferation. Also called: ACTIVATED PI3K-DELTA SYNDROME 2; Immunodeficiency 36; Activated PI3K Delta Syndrome Type 2 (APDS2). Identifiers: Orphanet 397596, Orphanet 693681, MedGen C4014934, MONDO:0014453, OMIM 616005.

Allele frequency attached by ClinVar (database versions not stated): gnomAD exomes below 0.00001; TOPMed below 0.00001; ExAC 0.00001.
gnomAD v4.1: 1 of 1,614,084 alleles (0.000062%); highest among the groups gnomAD compares: Admixed American, 0.0017%; no homozygotes.

Submission:

Labcorp Genetics (formerly Invitae), Labcorp
Classification: Uncertain significance for SHORT syndrome; Immunodeficiency 36 with lymphoproliferation; Agammaglobulinemia 7, autosomal recessive. Last evaluated: 2023-10-18. Review status: criteria provided, single submitter. Criteria: Invitae Variant Classification Sherloc (09022015). Collection method: clinical testing. Allele origin: germline.
Comment: This sequence change replaces alanine, which is neutral and non-polar, with valine, which is neutral and non-polar, at codon 210 of the PIK3R1 protein (p.Ala210Val). This variant is present in population databases (rs770442624, gnomAD 0.003%). This variant has not been reported in the literature in individuals affected with PIK3R1-related conditions. ClinVar contains an entry for this variant (Variation ID: 2013514). Algorithms developed to predict the effect of missense changes on protein structure and function output the following: SIFT: "Not Available"; PolyPhen-2: "Benign"; Align-GVGD: "Not Available". The valine amino acid residue is found in multiple mammalian species, which suggests that this missense change does not adversely affect protein function. In summary, the available evidence is currently insufficient to determine the role of this variant in disease. Therefore, it has been classified as a Variant of Uncertain Significance.

NM_181523.3(PIK3R1):c.629C>T (p.Ala210Val)

Gene: PIK3R1 (phosphoinositide-3-kinase regulatory subunit 1; plus strand). Cytogenetic location: 5q13.1.
Variant type: single nucleotide variant.
Coding change: c.629C>T on transcript NM_181523.3 (MANE Select); coding-DNA position 629, C replaced by T.
Protein change: p.Ala210Val; replaces alanine 210 with valine.
Molecular consequence: missense variant.
Genome position (GRCh38, 1-based): chr5:68,279,728, C>T. VCF-style: chr5-68279728-C-T. GRCh37 (hg19) VCF-style: chr5-67575556-C-T.
Other names: short protein forms A210V.
Identifiers: ClinVar variation 2013514 (VCV002013514.4), dbSNP rs770442624, ClinGen allele CA3290086.